The following is an entry in ClinVar:

NM_004706.4(ARHGEF1):c.2119G>A (p.Val707Met)

Gene: ARHGEF1 (Rho guanine nucleotide exchange factor 1; plus strand). Cytogenetic location: 19q13.2.
Variant type: single nucleotide variant.
Coding change: c.2119G>A on transcript NM_004706.4 (MANE Select); coding-DNA position 2119, G replaced by A.
Protein change: p.Val707Met; replaces valine 707 with methionine.
Molecular consequence: missense variant. On other transcripts: non-coding transcript variant (2).
Genome position (GRCh38, 1-based): chr19:41,904,341, G>A. VCF-style: chr19-41904341-G-A. GRCh37 (hg19) VCF-style: chr19-42408493-G-A.
Other names: c.2287G>A, p.Val763Met (NM_001396000.1); c.2020G>A, p.Val674Met (NM_001396002.1, NM_001396004.1, NM_198977.2); c.2119G>A, p.Val707Met (NM_001396003.1, NM_001396006.1); c.2164G>A, p.Val722Met (NM_199002.2); short protein forms V707M, V763M, V722M, V674M.
Identifiers: ClinVar variation 4776897 (VCV004776897.1).
Genomic context (GRCh38, chr19:41,904,341, plus strand): 5'-CTCAAGTCCCATAGCCGGACACTGACGCCCACGCCCGATGGCAAGACCATGCTGCGGCCC[G>A]TGCTGCGGCTCACCTCCGCCATGACCCGCGAGGTGGCCACCGGTGAGTGCAGCCACTGCA-3'
Protein context (NP_004697.2, residues 697-717): TPDGKTMLRP[Val707Met]LRLTSAMTRE

ClinVar aggregate classification (germline): Uncertain significance (1 of 4 stars; one submission).

gnomAD v4.1: 8 of 1,599,670 alleles (0.0005%); highest among the groups gnomAD compares: Admixed American, 0.0017%; no homozygotes.

Submission:

Labcorp Genetics (formerly Invitae), Labcorp
Classification: Uncertain significance. Last evaluated: 2025-07-13. Review status: criteria provided, single submitter. Criteria: Invitae Variant Classification Sherloc (09022015). Collection method: clinical testing. Allele origin: germline.
Comment: This sequence change replaces valine, which is neutral and non-polar, with methionine, which is neutral and non-polar, at codon 722 of the ARHGEF1 protein (p.Val722Met). The frequency data for this variant in the population databases is considered unreliable, as metrics indicate poor data quality at this position in the gnomAD database. This variant has not been reported in the literature in individuals affected with ARHGEF1-related conditions. An algorithm developed to predict the effect of missense changes on protein structure and function (PolyPhen-2) suggests that this variant is likely to be disruptive. In summary, the available evidence is currently insufficient to determine the role of this variant in disease. Therefore, it has been classified as a Variant of Uncertain Significance.